The following is an entry in ClinVar:

ClinVar aggregate classification (germline): Uncertain significance (1 of 4 stars; one submission).

Conditions:
Adams-Oliver syndrome 4 (AOS4). Identifiers: Orphanet 974, MedGen C3809092, MONDO:0014124, OMIM 615297.

Allele frequency attached by ClinVar (database versions not stated): gnomAD exomes 0.00001; TOPMed 0.00001; gnomAD 0.00002; ExAC 0.00003.
gnomAD v4.1: 24 of 1,611,426 alleles (0.0015%); highest among the groups gnomAD compares: East Asian, 0.0045%; no homozygotes.

Submission:

Labcorp Genetics (formerly Invitae), Labcorp
Classification: Uncertain significance for Adams-Oliver syndrome 4. Last evaluated: 2022-05-06. Review status: criteria provided, single submitter. Criteria: Invitae Variant Classification Sherloc (09022015). Collection method: clinical testing. Allele origin: germline.
Comment: This sequence change replaces glutamine, which is neutral and polar, with arginine, which is basic and polar, at codon 216 of the EOGT protein (p.Gln216Arg). This variant is present in population databases (rs748962984, gnomAD 0.01%). This variant has not been reported in the literature in individuals affected with EOGT-related conditions. Algorithms developed to predict the effect of missense changes on protein structure and function are either unavailable or do not agree on the potential impact of this missense change (SIFT: "Tolerated"; PolyPhen-2: "Possibly Damaging"; Align-GVGD: "Class C0"). In summary, the available evidence is currently insufficient to determine the role of this variant in disease. Therefore, it has been classified as a Variant of Uncertain Significance.

NM_001278689.2(EOGT):c.647A>G (p.Gln216Arg)

Gene: EOGT (EGF domain specific O-linked N-acetylglucosamine transferase; minus strand). Cytogenetic location: 3p14.1.
Variant type: single nucleotide variant.
Coding change: c.647A>G on transcript NM_001278689.2 (MANE Select); coding-DNA position 647, A replaced by G.
Protein change: p.Gln216Arg; replaces glutamine 216 with arginine.
Molecular consequence: missense variant.
Genome position (GRCh38, 1-based): chr3:69,001,688, T>C on the plus strand (A>G on the coding strand, the complement: EOGT is on the minus strand). VCF-style: chr3-69001688-T-C. GRCh37 (hg19) VCF-style: chr3-69050839-T-C.
Other names: c.647A>G, p.Gln216Arg (NM_173654.3); short protein forms Q216R.
Identifiers: ClinVar variation 2145613 (VCV002145613.1), dbSNP rs748962984, ClinGen allele CA2486830.